The following is an entry in ClinVar:

ClinVar aggregate classification (germline): Pathogenic (1 of 4 stars; one submission).

Allele frequency attached by ClinVar (database versions not stated): ExAC 0.00001; TOPMed 0.00003; gnomAD 0.00005.

Submission:

Labcorp Genetics (formerly Invitae), Labcorp
Classification: Pathogenic. Last evaluated: 2022-06-28. Review status: criteria provided, single submitter. Criteria: Invitae Variant Classification Sherloc (09022015). Collection method: clinical testing. Allele origin: germline.
Comment: This sequence change creates a premature translational stop signal (p.Glu4399*) in the DNHD1 gene. It is expected to result in an absent or disrupted protein product. Loss-of-function variants in DNHD1 are known to be pathogenic (PMID: 34932939). The frequency data for this variant in the population databases is considered unreliable, as metrics indicate poor data quality at this position in the gnomAD database. This variant has not been reported in the literature in individuals affected with DNHD1-related conditions. For these reasons, this variant has been classified as Pathogenic.

Literature cited by the submitters: PubMed 34932939.

NM_144666.3(DNHD1):c.13195G>T (p.Glu4399Ter)

Gene: DNHD1 (dynein heavy chain domain 1; plus strand). Cytogenetic location: 11p15.4.
Variant type: single nucleotide variant.
Coding change: c.13195G>T on transcript NM_144666.3 (MANE Select); coding-DNA position 13195, G replaced by T.
Protein change: p.Glu4399Ter; replaces glutamic acid 4399 with a stop codon.
Molecular consequence: nonsense.
Genome position (GRCh38, 1-based): chr11:6,570,707, G>T. VCF-style: chr11-6570707-G-T. GRCh37 (hg19) VCF-style: chr11-6591937-G-T.
Other names: short protein forms E4399*.
Identifiers: ClinVar variation 2195675 (VCV002195675.1), dbSNP rs780027666, ClinGen allele CA5857055.